The following is an entry in ClinVar:

ClinVar aggregate classification (germline): Pathogenic (1 of 4 stars; one submission).

Submission:

Labcorp Genetics (formerly Invitae), Labcorp
Classification: Pathogenic. Last evaluated: 2023-12-30. Review status: criteria provided, single submitter. Criteria: Invitae Variant Classification Sherloc (09022015). Collection method: clinical testing. Allele origin: germline.
Comment: This sequence change creates a premature translational stop signal (p.Leu998Serfs*25) in the ABCC2 gene. It is expected to result in an absent or disrupted protein product. Loss-of-function variants in ABCC2 are known to be pathogenic (PMID: 9185779, 16549534, 16952291). This variant is not present in population databases (gnomAD no frequency). This variant has not been reported in the literature in individuals affected with ABCC2-related conditions. For these reasons, this variant has been classified as Pathogenic.

Literature cited by the submitters: PubMed 9185779; PubMed 16549534; PubMed 16952291.

NM_000392.5(ABCC2):c.2992del (p.Leu998fs)

Gene: ABCC2 (ATP binding cassette subfamily C member 2; plus strand). Cytogenetic location: 10q24.2.
Variant type: Deletion.
Coding change: c.2992del on transcript NM_000392.5 (MANE Select); coding-DNA position 2992, one base deleted (C; older notation c.2992delC).
Protein change: p.Leu998fs; shifts the reading frame from leucine 998.
Molecular consequence: frameshift variant.
Genome position (GRCh38, 1-based): chr10:99,831,719, C deleted; the last of 2 consecutive C bases (chr10:99,831,718-99,831,719); deleting either gives the same sequence. VCF-style (leftmost placement, unchanged base first): chr10-99831717-AC-A. GRCh37 (hg19) VCF-style: chr10-101591474-AC-A.
Other names: short protein forms L998fs.
Identifiers: ClinVar variation 2706643 (VCV002706643.3), dbSNP rs2493011773, ClinGen allele CA2697558678.
Genomic context (GRCh38, chr10:99,831,717, plus strand): 5'-TTTCGATATTCTTCATCATCCTTGCGTTTGTGATGAATTCTGTGGCTTTTATTGGATCCA[AC>A]CTCTGGCTCAGTGCTTGGACCAGTGACTCTAAAATCTTCAATAGCACCGACTATCCAGCA-3'